The following is an entry in ClinVar:

ClinVar aggregate classification (germline): Likely benign. Review status: criteria provided, multiple submitters, no conflicts (2 of 4 stars). 2 submissions from 2 submitters: Likely benign (2). Last evaluated 2025-09-04.

Conditions:
Neuroblastoma, susceptibility to, 3. Also called: ALK-Related Neuroblastic Tumor Susceptibility. Identifiers: Orphanet 635, MedGen C2751681, MONDO:0013083, OMIM 613014.

Allele frequency attached by ClinVar (database versions not stated): TOPMed below 0.00001; gnomAD 0.00001; gnomAD exomes 0.00001.
gnomAD v4.1: 9 of 1,611,422 alleles (0.00056%); highest among the groups gnomAD compares: Admixed American, 0.0017%; no homozygotes.

Submissions (2):

Labcorp Genetics (formerly Invitae), Labcorp
Classification: Likely benign for Neuroblastoma, susceptibility to, 3. Last evaluated: 2025-09-04. Review status: criteria provided, single submitter. Criteria: Invitae Variant Classification Sherloc (09022015). Collection method: clinical testing. Allele origin: germline.

GeneDx
Classification: Likely benign. Last evaluated: 2017-10-18. Review status: criteria provided, single submitter. Criteria: GeneDx Variant Classification (06012015). Collection method: clinical testing. Allele origin: germline. Affected: yes.
Comment: This variant is considered likely benign or benign based on one or more of the following criteria: it is a conservative change, it occurs at a poorly conserved position in the protein, it is predicted to be benign by multiple in silico algorithms, and/or has population frequency not consistent with disease.

NM_004304.5(ALK):c.2816-9G>A

Gene: ALK (ALK receptor tyrosine kinase; minus strand). Cytogenetic location: 2p23.2.
Variant type: single nucleotide variant.
Coding change: c.2816-9G>A on transcript NM_004304.5 (MANE Select); 9 bases into the intron before coding-DNA position 2816, G replaced by A.
Molecular consequence: intron variant.
Genome position (GRCh38, 1-based): chr2:29,227,681, C>T on the plus strand (G>A on the coding strand, the complement: ALK is on the minus strand). VCF-style: chr2-29227681-C-T. GRCh37 (hg19) VCF-style: chr2-29450547-C-T.
Identifiers: ClinVar variation 512590 (VCV000512590.11), dbSNP rs200463420, ClinGen allele CA44634720.